The following is an entry in ClinVar:

NM_000294.3(PHKG2):c.1031G>A (p.Arg344Gln)

Gene: PHKG2 (phosphorylase kinase catalytic subunit gamma 2; plus strand). Cytogenetic location: 16p11.2.
Variant type: single nucleotide variant.
Coding change: c.1031G>A on transcript NM_000294.3 (MANE Select); coding-DNA position 1031, G replaced by A.
Protein change: p.Arg344Gln; replaces arginine 344 with glutamine.
Molecular consequence: missense variant.
Genome position (GRCh38, 1-based): chr16:30,756,907, G>A. VCF-style: chr16-30756907-G-A. GRCh37 (hg19) VCF-style: chr16-30768228-G-A.
Other names: p.Arg344Gln; c.1031G>A, p.Arg344Gln (NM_001172432.2); c.1031G>A (NM_000294.2); short protein forms R344Q.
Identifiers: ClinVar variation 1613695 (VCV001613695.38), dbSNP rs532137455, ClinGen allele CA8013389.

ClinVar aggregate classification (germline): Conflicting classifications of pathogenicity. Review status: criteria provided, conflicting classifications (1 of 4 stars). 4 submissions from 4 submitters: Uncertain significance (3); Likely benign (1). Last evaluated 2025-04-02.

Conditions:
Inborn genetic diseases. Identifiers: MedGen C0950123, MeSH D030342.
Glycogen storage disease IXc (GSD9C). Also called: GSD IXc. Identifiers: Orphanet 264580, MedGen C2751643, MONDO:0013091, OMIM 613027.

Allele frequency attached by ClinVar (database versions not stated): gnomAD 0.00002 and 0.00004; TOPMed 0.00002; gnomAD exomes 0.00006; ExAC 0.00008; 1000 Genomes Project 30x 0.00031; 1000 Genomes Project 0.00040.
gnomAD v4.1: 54 of 1,614,054 alleles (0.0033%); highest among the groups gnomAD compares: South Asian, 0.037%; no homozygotes.

Submissions (4):

Ambry Genetics
Classification: Uncertain significance for Inborn genetic diseases. Last evaluated: 2025-04-02. Review status: criteria provided, single submitter. Criteria: Ambry Variant Classification Scheme 2023. Collection method: clinical testing. Allele origin: germline.

Mayo Clinic Laboratories, Mayo Clinic
Classification: Uncertain significance. Last evaluated: 2024-07-09. Review status: criteria provided, single submitter. Criteria: ACMG Guidelines, 2015. Collection method: clinical testing. Allele origin: germline. Observed: 1 variant allele.
Comment: BP4

Labcorp Genetics (formerly Invitae), Labcorp
Classification: Likely benign for Glycogen storage disease IXc. Last evaluated: 2024-01-10. Review status: criteria provided, single submitter. Criteria: Invitae Variant Classification Sherloc (09022015). Collection method: clinical testing. Allele origin: germline.

CeGaT Center for Human Genetics Tuebingen
Classification: Uncertain significance. Last evaluated: 2022-10-01. Review status: criteria provided, single submitter. Criteria: CeGaT Center For Human Genetics Tuebingen Variant Classification Criteria Version 2. Collection method: clinical testing. Allele origin: germline. Affected: yes. Observed: 1 variant allele.
Comment: PHKG2: PM2, BP4